The following is an entry in ClinVar:

ClinVar aggregate classification (germline): Uncertain significance. Review status: criteria provided, multiple submitters, no conflicts (2 of 4 stars). 3 submissions from 3 submitters: Uncertain significance (3). Last evaluated 2025-10-06.

Conditions:
Combined immunodeficiency due to STIM1 deficiency. Also called: IMMUNODEFICIENCY 10; STIM1 DEFICIENCY. Identifiers: Orphanet 169090, Orphanet 317430, MedGen C2748557, MONDO:0013008, OMIM 612783.
Stormorken syndrome (STRMK). Also called: THROMBOCYTOPATHY, ASPLENIA, AND MIOSIS. Identifiers: Orphanet 3204, MedGen C1861451, MONDO:0008497, OMIM 185070.
Myopathy with tubular aggregates (TAM). Also called: Tubular Aggregate Myopathy. Identifiers: Orphanet 2593, MedGen C0410207, MONDO:0008051.
Inborn genetic diseases. Identifiers: MedGen C0950123, MeSH D030342.

Allele frequency attached by ClinVar (database versions not stated): TOPMed below 0.00001; gnomAD exomes 0.00001 and 0.00003; ExAC 0.00002; gnomAD 0.00002; ESP Exome Variant Server 0.00008.
gnomAD v4.1: 39 of 1,614,066 alleles (0.0024%); highest among the groups gnomAD compares: Admixed American, 0.01%; no homozygotes.

Submissions (3):

Labcorp Genetics (formerly Invitae), Labcorp
Classification: Uncertain significance for Myopathy with tubular aggregates; Combined immunodeficiency due to STIM1 deficiency; Stormorken syndrome. Last evaluated: 2025-10-06. Review status: criteria provided, single submitter. Criteria: Invitae Variant Classification Sherloc (09022015). Collection method: clinical testing. Allele origin: germline.
Comment: This sequence change replaces alanine, which is neutral and non-polar, with proline, which is neutral and non-polar, at codon 31 of the STIM1 protein (p.Ala31Pro). This variant is present in population databases (rs368091975, gnomAD 0.01%). This variant has not been reported in the literature in individuals affected with STIM1-related conditions. ClinVar contains an entry for this variant (Variation ID: 1046761). An algorithm developed to predict the effect of missense changes on protein structure and function outputs the following: PolyPhen-2: "Benign". The proline amino acid residue is found in multiple mammalian species, which suggests that this missense change does not adversely affect protein function. In summary, the available evidence is currently insufficient to determine the role of this variant in disease. Therefore, it has been classified as a Variant of Uncertain Significance.

Blueprint Genetics
Classification: Uncertain significance. Last evaluated: 2022-12-01. Review status: criteria provided, single submitter. Criteria: ACMG Guidelines, 2015. Collection method: clinical testing. Allele origin: germline.

Ambry Genetics
Classification: Uncertain significance for Inborn genetic diseases. Last evaluated: 2021-09-15. Review status: criteria provided, single submitter. Criteria: Ambry Variant Classification Scheme 2023. Collection method: clinical testing. Allele origin: germline.

NM_001382567.1(STIM1):c.91G>C (p.Ala31Pro)

Gene: STIM1 (stromal interaction molecule 1; plus strand). Cytogenetic location: 11p15.4.
Variant type: single nucleotide variant.
Coding change: c.91G>C on transcript NM_001382567.1 (MANE Select); coding-DNA position 91, G replaced by C.
Protein change: p.Ala31Pro; replaces alanine 31 with proline.
Molecular consequence: missense variant. On other transcripts: 5 prime UTR variant (1), non-coding transcript variant (3), intron variant (10).
Genome position (GRCh38, 1-based): chr11:3,856,361, G>C. VCF-style: chr11-3856361-G-C. GRCh37 (hg19) VCF-style: chr11-3877591-G-C.
Other names: c.91G>C, p.Ala31Pro (NM_001277961.3, NM_001277962.2, NM_001382568.1 and 3 more transcripts); c.87G>C, p.Arg29Ser (NM_001382569.1); c.-147G>C (NM_001382571.1); c.-84+1625G>C (NM_001382578.1, NM_001382575.1, NM_001382574.1); c.-220+1625G>C (NM_001382580.1, NM_001382581.1); c.-84+1707G>C (NM_001382576.1); c.-84+945G>C (NM_001382566.1, NM_001382579.1, NM_001382577.1 and 1 more transcripts); c.91G>C (NM_003156.3); short protein forms A31P, R29S.
Identifiers: ClinVar variation 1046761 (VCV001046761.9), dbSNP rs368091975, ClinGen allele CA5830113.